The following is an entry in ClinVar:

ClinVar aggregate classification (germline): Uncertain significance (1 of 4 stars; one submission).

Conditions:
Inborn genetic diseases. Identifiers: MedGen C0950123, MeSH D030342.

gnomAD v4.1: 1 of 1,610,100 alleles (0.000062%); no homozygotes.

Submission:

Ambry Genetics
Classification: Uncertain significance for Inborn genetic diseases. Last evaluated: 2025-06-12. Review status: criteria provided, single submitter. Criteria: Ambry Variant Classification Scheme 2023. Collection method: clinical testing. Allele origin: germline.
Comment: The p.G589V variant (also known as c.1766G>T), located in coding exon 11 of the RECQL4 gene, results from a G to T substitution at nucleotide position 1766. The glycine at codon 589 is replaced by valine, an amino acid with dissimilar properties. This amino acid position is conserved. In addition, this alteration is predicted to be tolerated by in silico analysis. Based on the available evidence, the clinical significance of this variant remains unclear.

NM_004260.4(RECQL4):c.1766G>T (p.Gly589Val)

Gene: RECQL4 (RecQ like helicase 4; minus strand). Cytogenetic location: 8q24.3.
Variant type: single nucleotide variant.
Coding change: c.1766G>T on transcript NM_004260.4 (MANE Select); coding-DNA position 1766, G replaced by T.
Protein change: p.Gly589Val; replaces glycine 589 with valine.
Molecular consequence: missense variant. On other transcripts: non-coding transcript variant (3), intron variant (3).
Genome position (GRCh38, 1-based): chr8:144,514,301, C>A on the plus strand (G>T on the coding strand, the complement: RECQL4 is on the minus strand). VCF-style: chr8-144514301-C-A. GRCh37 (hg19) VCF-style: chr8-145739685-C-A.
Other names: c.1670G>T, p.Gly557Val (NM_001413017.1, NM_001413020.1); c.1766G>T, p.Gly589Val (NM_001413018.1, NM_001413019.1, NM_001413036.1); c.695G>T, p.Gly232Val (NM_001413021.1, NM_001413022.1, NM_001413023.1 and 6 more transcripts); c.1637G>T, p.Gly546Val (NM_001413025.1); c.629G>T, p.Gly210Val (NM_001413027.1, NM_001413030.1, NM_001413032.1 and 1 more transcripts); c.1415G>T, p.Gly472Val (NM_001413029.1); c.1736G>T, p.Gly579Val (NM_001413039.1); c.665G>T, p.Gly222Val (NM_001413042.1); and 4 more; short protein forms G210V, G232V, G100V, G546V, G557V, G589V, G222V, G472V.
Identifiers: ClinVar variation 3944363 (VCV003944363.1).
Genomic context (GRCh38, chr8:144,514,301, plus strand): 5'-CAGTGGGCCTCATCAATGCAGGCAAAAGCAACTGGAGGCAGCTGTGCGGCTGGAGGGAGG[C>A]CTCCCGCCCCCACCAGTGCCTCAGGTGTCAGCATCAGCACGTGTACCTGGGCTGCCCGAA-3'
Protein context (NP_004251.4, residues 579-599): LTPEALVGAG[Gly589Val]LPPAAQLPPV